The following is an entry in ClinVar:

NM_001042492.3(NF1):c.144A>G (p.Lys48=)

Gene: NF1 (neurofibromin 1; plus strand). Cytogenetic location: 17q11.2.
Variant type: single nucleotide variant.
Coding change: c.144A>G on transcript NM_001042492.3 (MANE Select); coding-DNA position 144, A replaced by G.
Protein change: p.Lys48=; no amino-acid change (lysine 48 retained).
Molecular consequence: synonymous variant.
Genome position (GRCh38, 1-based): chr17:31,156,066, A>G. VCF-style: chr17-31156066-A-G. GRCh37 (hg19) VCF-style: chr17-29483084-A-G.
Other names: c.144A>G, p.Lys48= (NM_000267.4, NM_001128147.3).
Identifiers: ClinVar variation 457534 (VCV000457534.11), dbSNP rs763375105, ClinGen allele CA8485482.

ClinVar aggregate classification (germline): Benign/Likely benign. Review status: criteria provided, multiple submitters, no conflicts (2 of 4 stars). 3 submissions from 3 submitters: Benign (1); Likely benign (2). Last evaluated 2026-05-14.

Conditions:
Hereditary cancer-predisposing syndrome. Also called: Hereditary neoplastic syndrome; Neoplastic Syndromes, Hereditary; Hereditary Cancer Syndrome; Tumor predisposition. Identifiers: Orphanet 140162, MedGen C0027672, MeSH D009386, MONDO:0015356.
Cardiovascular phenotype. Identifiers: MedGen CN230736.
Neurofibromatosis, type 1 (NF1). Also called: Peripheral type neurofibromatosis; Neurofibromatosis, type I; VON RECKLINGHAUSEN DISEASE; NEUROFIBROMATOSIS, TYPE I, SOMATIC. Identifiers: Orphanet 636, MedGen C0027831, MONDO:0018975, OMIM 162200. Disease mechanism: loss of function.

Allele frequency attached by ClinVar (database versions not stated): gnomAD 0.00001; ExAC 0.00002; gnomAD exomes 0.00001.
gnomAD v4.1: 11 of 1,613,814 alleles (0.00068%); highest among the groups gnomAD compares: East Asian, 0.025%; no homozygotes.

Submissions (3):

Myriad Genetics, Inc.
Classification: Benign for Neurofibromatosis, type 1. Last evaluated: 2026-05-14. Review status: criteria provided, single submitter. Criteria: Myriad Autosomal Dominant, Autosomal Recessive and X-Linked Classification Criteria (2023). Collection method: clinical testing. Allele origin: unknown.
Comment: This variant is considered benign. This variant is a silent/synonymous amino acid change and it is not expected to impact splicing.

Labcorp Genetics (formerly Invitae), Labcorp
Classification: Likely benign for Neurofibromatosis, type 1. Last evaluated: 2025-11-18. Review status: criteria provided, single submitter. Criteria: Invitae Variant Classification Sherloc (09022015). Collection method: clinical testing. Allele origin: germline.

Ambry Genetics
Classification: Likely benign for Cardiovascular phenotype; Hereditary cancer-predisposing syndrome. Last evaluated: 2020-05-29. Review status: criteria provided, single submitter. Criteria: Ambry Variant Classification Scheme 2023. Collection method: clinical testing. Allele origin: germline.